The following is an entry in ClinVar:

ClinVar aggregate classification (germline): Uncertain significance (1 of 4 stars; one submission).

Allele frequency attached by ClinVar (database versions not stated): gnomAD exomes below 0.00001; ExAC 0.00001.
gnomAD v4.1: 5 of 1,613,948 alleles (0.00031%); highest among the groups gnomAD compares: Non-Finnish European, 0.00034%; no homozygotes.

Submission:

Labcorp Genetics (formerly Invitae), Labcorp
Classification: Uncertain significance. Last evaluated: 2020-07-24. Review status: criteria provided, single submitter. Criteria: Invitae Variant Classification Sherloc (09022015). Collection method: clinical testing. Allele origin: germline.
Comment: The frequency data for this variant in the population databases is considered unreliable, as metrics indicate poor data quality at this position in the ExAC database. In summary, the available evidence is currently insufficient to determine the role of this variant in disease. Therefore, it has been classified as a Variant of Uncertain Significance. Algorithms developed to predict the effect of missense changes on protein structure and function (SIFT, PolyPhen-2, Align-GVGD) all suggest that this variant is likely to be tolerated, but these predictions have not been confirmed by published functional studies and their clinical significance is uncertain. This variant has not been reported in the literature in individuals with PRPF3-related conditions. This sequence change replaces arginine with histidine at codon 277 of the PRPF3 protein (p.Arg277His). The arginine residue is moderately conserved and there is a small physicochemical difference between arginine and histidine.

NM_004698.4(PRPF3):c.830G>A (p.Arg277His)

Gene: PRPF3 (pre-mRNA processing factor 3; plus strand). Cytogenetic location: 1q21.2.
Variant type: single nucleotide variant.
Coding change: c.830G>A on transcript NM_004698.4 (MANE Select); coding-DNA position 830, G replaced by A.
Protein change: p.Arg277His; replaces arginine 277 with histidine.
Molecular consequence: missense variant. On other transcripts: non-coding transcript variant (4).
Genome position (GRCh38, 1-based): chr1:150,335,036, G>A. VCF-style: chr1-150335036-G-A. GRCh37 (hg19) VCF-style: chr1-150307507-G-A.
Other names: c.425G>A, p.Arg142His (NM_001350529.1); short protein forms R142H, R277H.
Identifiers: ClinVar variation 1020585 (VCV001020585.8), dbSNP rs781846855, ClinGen allele CA1075504.